The following is an entry in ClinVar:

NM_001080421.3(UNC13A):c.506T>A (p.Val169Asp)

Gene: UNC13A (unc-13 homolog A; minus strand). Cytogenetic location: 19p13.11.
Variant type: single nucleotide variant.
Coding change: c.506T>A on transcript NM_001080421.3 (MANE Select); coding-DNA position 506, T replaced by A.
Protein change: p.Val169Asp; replaces valine 169 with aspartic acid.
Molecular consequence: missense variant.
Genome position (GRCh38, 1-based): chr19:17,666,667, A>T on the plus strand (T>A on the coding strand, the complement: UNC13A is on the minus strand). VCF-style: chr19-17666667-A-T. GRCh37 (hg19) VCF-style: chr19-17777476-A-T.
Other names: c.506T>A, p.Val169Asp (NM_001387021.1, NM_001387022.1, NM_001387023.1); short protein forms V169D.
Identifiers: ClinVar variation 4795651 (VCV004795651.1).

ClinVar aggregate classification (germline): Uncertain significance (1 of 4 stars; one submission).

Submission:

GeneDx
Classification: Uncertain significance. Last evaluated: 2025-08-13. Review status: criteria provided, single submitter. Criteria: GeneDx Variant Classification Process June 2021. Collection method: clinical testing. Allele origin: germline. Affected: yes.
Comment: Not observed at significant frequency in large population cohorts (gnomAD); In silico analysis suggests that this missense variant does not alter protein structure/function; Has not been previously published as pathogenic or benign to our knowledge